The following is an entry in ClinVar:

ClinVar aggregate classification (germline): Uncertain significance. Review status: criteria provided, multiple submitters, no conflicts (2 of 4 stars). 2 submissions from 2 submitters: Uncertain significance (2). Last evaluated 2025-08-11.

Conditions:
Inborn genetic diseases. Identifiers: MedGen C0950123, MeSH D030342.

Allele frequency attached by ClinVar (database versions not stated): gnomAD 0.00015; TOPMed 0.00016; ExAC 0.00016; ESP Exome Variant Server 0.00031.
gnomAD v4.1: 470 of 1,613,000 alleles (0.029%); highest among the groups gnomAD compares: South Asian, 0.042%; 2 homozygotes.

Submissions (2):

GeneDx
Classification: Uncertain significance. Last evaluated: 2025-08-11. Review status: criteria provided, single submitter. Criteria: GeneDx Variant Classification Process June 2021. Collection method: clinical testing. Allele origin: germline.
Comment: In silico analysis suggests that this missense variant does not alter protein structure/function; Has not been previously published as pathogenic or benign to our knowledge

Ambry Genetics
Classification: Uncertain significance for Inborn genetic diseases. Last evaluated: 2021-06-22. Review status: criteria provided, single submitter. Criteria: Ambry Variant Classification Scheme 2023. Collection method: clinical testing. Allele origin: germline.

NM_016194.4(GNB5):c.820G>A (p.Val274Met)

Gene: GNB5 (G protein subunit beta 5; minus strand). Cytogenetic location: 15q21.2.
Variant type: single nucleotide variant.
Coding change: c.820G>A on transcript NM_016194.4 (MANE Select); coding-DNA position 820, G replaced by A.
Protein change: p.Val274Met; replaces valine 274 with methionine.
Molecular consequence: missense variant.
Genome position (GRCh38, 1-based): chr15:52,133,421, C>T on the plus strand (G>A on the coding strand, the complement: GNB5 is on the minus strand). VCF-style: chr15-52133421-C-T. GRCh37 (hg19) VCF-style: chr15-52425618-C-T.
Other names: c.538G>A, p.Val180Met (NM_001379343.1); c.694G>A, p.Val232Met (NM_006578.4); short protein forms V274M, V232M, V180M.
Identifiers: ClinVar variation 2215513 (VCV002215513.4), dbSNP rs201352368, ClinGen allele CA7565632.